The following is an entry in ClinVar:

NM_000593.6(TAP1):c.1783C>G (p.Leu595Val)

Gene: TAP1 (transporter 1, ATP binding cassette subfamily B member; minus strand). Cytogenetic location: 6p21.32.
Variant type: single nucleotide variant.
Coding change: c.1783C>G on transcript NM_000593.6 (MANE Select); coding-DNA position 1783, C replaced by G.
Protein change: p.Leu595Val; replaces leucine 595 with valine.
Molecular consequence: missense variant.
Genome position (GRCh38, 1-based): chr6:32,847,633, G>C on the plus strand (C>G on the coding strand, the complement: TAP1 is on the minus strand). VCF-style: chr6-32847633-G-C. GRCh37 (hg19) VCF-style: chr6-32815410-G-C.
Other names: c.1180C>G, p.Leu394Val (NM_001292022.2); short protein forms L655V, L394V, L595V.
Identifiers: ClinVar variation 842574 (VCV000842574.7), dbSNP rs145691938, ClinGen allele CA3746680.

ClinVar aggregate classification (germline): Uncertain significance. Review status: criteria provided, multiple submitters, no conflicts (2 of 4 stars). 2 submissions from 2 submitters: Uncertain significance (2). Last evaluated 2022-11-01.

Conditions:
MHC class I deficiency. Identifiers: Orphanet 34592, MedGen C6024714, MONDO:0011476.
MHC class I deficiency 1 (MHC1D1). Also called: BARE LYMPHOCYTE SYNDROME, TYPE I; BLS, TYPE I; HLA CLASS I DEFICIENCY, 1. Identifiers: MedGen C1858266, MONDO:0971006, OMIM 604571.

Allele frequency attached by ClinVar (database versions not stated): gnomAD exomes 0.00012; ESP Exome Variant Server 0.00031; gnomAD 0.00052 and 0.00047; 1000 Genomes Project 30x 0.00016; ExAC 0.00018; 1000 Genomes Project 0.00020; TOPMed 0.00046.
gnomAD v4.1: 165 of 1,614,010 alleles (0.01%); highest among the groups gnomAD compares: African/African-American, 0.16%; 1 homozygote.

Submissions (2):

Labcorp Genetics (formerly Invitae), Labcorp
Classification: Uncertain significance for MHC class I deficiency 1. Last evaluated: 2022-11-01. Review status: criteria provided, single submitter. Criteria: Invitae Variant Classification Sherloc (09022015). Collection method: clinical testing. Allele origin: germline.
Comment: This sequence change replaces leucine, which is neutral and non-polar, with valine, which is neutral and non-polar, at codon 655 of the TAP1 protein (p.Leu655Val). This variant is present in population databases (rs145691938, gnomAD 0.1%). This variant has not been reported in the literature in individuals affected with TAP1-related conditions. ClinVar contains an entry for this variant (Variation ID: 842574). Algorithms developed to predict the effect of missense changes on protein structure and function output the following: SIFT: "Tolerated"; PolyPhen-2: "Benign"; Align-GVGD: "Class C0". The valine amino acid residue is found in multiple mammalian species, which suggests that this missense change does not adversely affect protein function. In summary, the available evidence is currently insufficient to determine the role of this variant in disease. Therefore, it has been classified as a Variant of Uncertain Significance.

Revvity Omics, Revvity
Classification: Uncertain significance for MHC class I deficiency 1. Last evaluated: 2021-07-23. Review status: criteria provided, single submitter. Criteria: ACMG Guidelines, 2015. Collection method: clinical testing. Allele origin: germline.